The following is an entry in ClinVar:

NM_001903.5(CTNNA1):c.1389+8A>G

Gene: CTNNA1 (catenin alpha 1; plus strand). Cytogenetic location: 5q31.2.
Variant type: single nucleotide variant.
Coding change: c.1389+8A>G on transcript NM_001903.5 (MANE Select); 8 bases into the intron after coding-DNA position 1389, A replaced by G.
Molecular consequence: intron variant.
Genome position (GRCh38, 1-based): chr5:138,904,449, A>G. VCF-style: chr5-138904449-A-G. GRCh37 (hg19) VCF-style: chr5-138240138-A-G.
Other names: c.1389+8A>G (NM_001323982.2, NM_001323984.2, NM_001290307.3 and 2 more transcripts); c.1297-13293A>G (NM_001323986.2); c.1020+8A>G (NM_001290310.3); c.1080+8A>G (NM_001290309.3); c.279+8A>G (NM_001323996.1, NM_001323993.1, NM_001324005.1 and 17 more transcripts); c.-119+8A>G (NM_001324007.1, NM_001324009.1, NM_001324006.1 and 1 more transcripts); c.36+8A>G (NM_001324013.1, NM_001324012.1); c.187-13293A>G (NM_001324011.1); and 1 more.
Identifiers: ClinVar variation 705202 (VCV000705202.9), dbSNP rs753005486, ClinGen allele CA563301377.

ClinVar aggregate classification (germline): Likely benign. Review status: criteria provided, multiple submitters, no conflicts (2 of 4 stars). 2 submissions from 2 submitters: Likely benign (2). Last evaluated 2025-09-28.

Conditions:
Hereditary diffuse gastric adenocarcinoma (HDGC). Also called: DIFFUSE GASTRIC AND LOBULAR BREAST CANCER SYNDROME. Identifiers: Orphanet 26106, MedGen C1708349, MONDO:0007648, OMIM 137215.

Allele frequency attached by ClinVar (database versions not stated): gnomAD exomes below 0.00001.
gnomAD v4.1: 3 of 1,611,998 alleles (0.00019%); highest among the groups gnomAD compares: Non-Finnish European, 0.000085%; no homozygotes.

Submissions (2):

Labcorp Genetics (formerly Invitae), Labcorp
Classification: Likely benign. Last evaluated: 2025-09-28. Review status: criteria provided, single submitter. Criteria: Invitae Variant Classification Sherloc (09022015). Collection method: clinical testing. Allele origin: germline.

Myriad Genetics, Inc.
Classification: Likely benign for Hereditary diffuse gastric adenocarcinoma. Last evaluated: 2024-10-11. Review status: criteria provided, single submitter. Criteria: Myriad Autosomal Dominant, Autosomal Recessive and X-Linked Classification Criteria (2023). Collection method: clinical testing. Allele origin: unknown.
Comment: This variant is considered likely benign. This variant is intronic and is not expected to impact mRNA splicing.